The following is an entry in ClinVar:

ClinVar aggregate classification (germline): Uncertain significance (1 of 4 stars; one submission).

Conditions:
TMEM38B-related disorder. Also called: TMEM38B-related condition.

Submission:

PreventionGenetics, part of Exact Sciences
Classification: Uncertain significance for TMEM38B-related condition. Last evaluated: 2023-04-25. Review status: criteria provided, single submitter. Criteria: ACMG Guidelines, 2015. Collection method: clinical testing. Allele origin: germline.
Comment: The TMEM38B c.712_722del11 variant is predicted to result in a frameshift and premature protein termination (p.Asp238Leufs*14). To our knowledge, this variant has not been reported in the literature or in a large population database, indicating this variant is rare. At this time, the clinical significance of this variant is uncertain due to the absence of conclusive functional and genetic evidence.

NM_018112.3(TMEM38B):c.712_722del (p.Asp238fs)

Gene: TMEM38B (transmembrane protein 38B; plus strand). Cytogenetic location: 9q31.2.
Variant type: Deletion.
Coding change: c.712_722del on transcript NM_018112.3 (MANE Select); coding-DNA positions 712 to 722, 11 bases deleted (GATACATTGAG).
Protein change: p.Asp238fs; shifts the reading frame from aspartic acid 238.
Molecular consequence: frameshift variant.
Genome position (GRCh38, 1-based): chr9:105,773,916-105,773,926, GATACATTGAG deleted; deleting any 11 consecutive bases within chr9:105,773,911-105,773,926 gives the same sequence; the c. name uses the placement nearest the transcript's 3' end. VCF-style (leftmost placement, unchanged base first): chr9-105773910-TTTGAGGATACA-T. GRCh37 (hg19) VCF-style: chr9-108536191-TTTGAGGATACA-T.
Other names: short protein forms D238fs.
Identifiers: ClinVar variation 2632921 (VCV002632921.1), dbSNP rs2540105814, ClinGen allele CA2691083291.